The following is an entry in ClinVar:

ClinVar aggregate classification (germline): Uncertain significance (1 of 4 stars; one submission).

Conditions:
CHARGE syndrome (CHARGE). Also called: Hittner Hirsch Kreh syndrome; CHARGE ASSOCIATION--COLOBOMA, HEART ANOMALY, CHOANAL ATRESIA, RETARDATION, GENITAL AND EAR ANOMALIES; Coloboma, heart anomaly, choanal atresia, retardation, genital and ear anomalies; CHARGE association; Hall-Hittner syndrome. Identifiers: Orphanet 138, MedGen C0265354, MONDO:0008965.

gnomAD v4.1: 4 of 1,609,416 alleles (0.00025%); highest among the groups gnomAD compares: Non-Finnish European, 0.00034%; no homozygotes.

Submission:

Labcorp Genetics (formerly Invitae), Labcorp
Classification: Uncertain significance for CHARGE syndrome. Last evaluated: 2024-03-09. Review status: criteria provided, single submitter. Criteria: Invitae Variant Classification Sherloc (09022015). Collection method: clinical testing. Allele origin: germline.
Comment: This sequence change replaces glutamic acid, which is acidic and polar, with glycine, which is neutral and non-polar, at codon 847 of the CHD7 protein (p.Glu847Gly). This variant is not present in population databases (gnomAD no frequency). This variant has not been reported in the literature in individuals affected with CHD7-related conditions. Advanced modeling of protein sequence and biophysical properties (such as structural, functional, and spatial information, amino acid conservation, physicochemical variation, residue mobility, and thermodynamic stability) has been performed at Invitae for this missense variant, however the output from this modeling did not meet the statistical confidence thresholds required to predict the impact of this variant on CHD7 protein function. In summary, the available evidence is currently insufficient to determine the role of this variant in disease. Therefore, it has been classified as a Variant of Uncertain Significance.

NM_017780.4(CHD7):c.2540A>G (p.Glu847Gly)

Gene: CHD7 (chromodomain helicase DNA binding protein 7; plus strand). Cytogenetic location: 8q12.2.
Variant type: single nucleotide variant.
Coding change: c.2540A>G on transcript NM_017780.4 (MANE Select); coding-DNA position 2540, A replaced by G.
Protein change: p.Glu847Gly; replaces glutamic acid 847 with glycine.
Molecular consequence: missense variant. On other transcripts: intron variant (1).
Genome position (GRCh38, 1-based): chr8:60,816,428, A>G. VCF-style: chr8-60816428-A-G. GRCh37 (hg19) VCF-style: chr8-61728987-A-G.
Other names: c.1716+35378A>G (NM_001316690.1); short protein forms E847G.
Identifiers: ClinVar variation 3704115 (VCV003704115.2).